The following is an entry in ClinVar:

ClinVar aggregate classification (germline): Uncertain significance (1 of 4 stars; one submission).

Submission:

GeneDx
Classification: Uncertain significance. Last evaluated: 2017-03-23. Review status: criteria provided, single submitter. Criteria: GeneDx Variant Classification (06012015). Collection method: clinical testing. Allele origin: germline. Affected: yes.
Comment: The c.1584+3A>T variant in the COG6 gene has not been reported previously as a pathogenic variant nor as a benign variant, to our knowledge. Although this variant reduces the quality of the splice donor site in intron 15 and is expected to cause abnormal gene splicing, this nucleotide substitution occurs at a position that is not conserved, and this variant nucleotide is observed in multiple species. The c.1584+3A>T variant is not observed in large population cohorts (Lek et al., 2016; 1000 Genomes Consortium et al., 2015; Exome Variant Server). We interpret c.1584+3A>T as a variant of uncertain significance.

NM_020751.3(COG6):c.1584+3A>T

Gene: COG6 (component of oligomeric golgi complex 6; plus strand). Cytogenetic location: 13q14.11.
Variant type: single nucleotide variant.
Coding change: c.1584+3A>T on transcript NM_020751.3 (MANE Select); 3 bases into the intron after coding-DNA position 1584, A replaced by T.
Molecular consequence: intron variant.
Genome position (GRCh38, 1-based): chr13:39,719,830, A>T. VCF-style: chr13-39719830-A-T. GRCh37 (hg19) VCF-style: chr13-40293967-A-T.
Other names: c.1584+3A>T (NM_001145079.2).
Identifiers: ClinVar variation 424542 (VCV000424542.2), dbSNP rs1064797031, ClinGen allele CA16619807.
Genomic context (GRCh38, chr13:39,719,830, plus strand): 5'-GACAACATTAGCTCTATTTGAATTCACTGACAGACGTCTGGAAATGCTACAGTTTCAGGT[A>T]AATTTTTCTATAAAATGACTATTGACTATGATTGAATCTTTTTCTCTATGTGATAGCTTT-3'